The following is an entry in ClinVar:

ClinVar aggregate classification (germline): Pathogenic (1 of 4 stars; one submission).

Conditions:
Immunodeficiency 23 (IMD23). Also called: IMMUNODEFICIENCY WITH HYPER IgE AND COGNITIVE IMPAIRMENT; IMMUNODEFICIENCY-VASCULITIS-MYOCLONUS SYNDROME. Identifiers: Orphanet 443811, MedGen C4014371, MONDO:0014353, OMIM 615816.

Allele frequency attached by ClinVar (database versions not stated): gnomAD exomes below 0.00001.

Submission:

Labcorp Genetics (formerly Invitae), Labcorp
Classification: Pathogenic for Immunodeficiency 23. Last evaluated: 2023-05-09. Review status: criteria provided, single submitter. Criteria: Invitae Variant Classification Sherloc (09022015). Collection method: clinical testing. Allele origin: germline.
Comment: For these reasons, this variant has been classified as Pathogenic. Algorithms developed to predict the effect of sequence changes on RNA splicing suggest that this variant may disrupt the consensus splice site. This variant has not been reported in the literature in individuals affected with PGM3-related conditions. This variant is not present in population databases (gnomAD no frequency). This sequence change creates a premature translational stop signal (p.Arg57*) in the PGM3 gene. It is expected to result in an absent or disrupted protein product. Loss-of-function variants in PGM3 are known to be pathogenic (PMID: 17548465, 24589341, 24931394).

Literature cited by the submitters: PubMed 17548465; PubMed 24589341; PubMed 24931394.

NM_015599.3(PGM3):c.85C>T (p.Arg29Ter)

Gene: PGM3 (phosphoglucomutase 3; minus strand). Cytogenetic location: 6q14.1.
Variant type: single nucleotide variant.
Coding change: c.85C>T on transcript NM_015599.3 (MANE Select); coding-DNA position 85, C replaced by T.
Protein change: p.Arg29Ter; replaces arginine 29 with a stop codon.
Molecular consequence: nonsense. On other transcripts: non-coding transcript variant (1), intron variant (1).
Genome position (GRCh38, 1-based): chr6:83,190,928, G>A on the plus strand (C>T on the coding strand, the complement: PGM3 is on the minus strand). VCF-style: chr6-83190928-G-A. GRCh37 (hg19) VCF-style: chr6-83900647-G-A.
Other names: c.169C>T, p.Arg57Ter (NM_001199917.2, NM_001367287.1); c.85C>T, p.Arg29Ter (NM_001199919.2, NM_001367286.1); c.-39-2130C>T (NM_001199918.2); short protein forms R57*, R29*.
Identifiers: ClinVar variation 3016238 (VCV003016238.3), dbSNP rs2538234999, ClinGen allele CA364853900.